The following is an entry in ClinVar:

ClinVar aggregate classification (germline): Uncertain significance (1 of 4 stars; one submission).

Conditions:
Cerebral cavernous malformation 2. Also called: Familial Cerebral Cavernous Malformation 2. Identifiers: Orphanet 221061, MedGen C1864041, MONDO:0011304, OMIM 603284.

gnomAD v4.1: 1 of 1,603,444 alleles (0.000062%); highest among the groups gnomAD compares: Non-Finnish European, 0.000085%; no homozygotes.

Submission:

Labcorp Genetics (formerly Invitae), Labcorp
Classification: Uncertain significance for Cerebral cavernous malformation 2. Last evaluated: 2025-11-11. Review status: criteria provided, single submitter. Criteria: Invitae Variant Classification Sherloc (09022015). Collection method: clinical testing. Allele origin: germline.
Comment: This sequence change falls in intron 3 of the CCM2 gene. It does not directly change the encoded amino acid sequence of the CCM2 protein. It affects a nucleotide within the consensus splice site. This variant is present in population databases (rs773187092, gnomAD 0.0009%). This variant has been observed in individual(s) with cerebral cavernous malformations (internal data). Variants that disrupt the consensus splice site are a relatively common cause of aberrant splicing (PMID: 17576681, 9536098). Algorithms developed to predict the effect of sequence changes on RNA splicing suggest that this variant may disrupt the consensus splice site. In summary, the available evidence is currently insufficient to determine the role of this variant in disease. Therefore, it has been classified as a Variant of Uncertain Significance.

Literature cited by the submitters: PubMed 17576681; PubMed 9536098.

NM_031443.4(CCM2):c.288+3A>C

Gene: CCM2 (CCM2 scaffold protein; plus strand). Cytogenetic location: 7p13.
Variant type: single nucleotide variant.
Coding change: c.288+3A>C on transcript NM_031443.4 (MANE Select); 3 bases into the intron after coding-DNA position 288, A replaced by C.
Molecular consequence: intron variant.
Genome position (GRCh38, 1-based): chr7:45,064,004, A>C. VCF-style: chr7-45064004-A-C. GRCh37 (hg19) VCF-style: chr7-45103603-A-C.
Other names: c.288+3A>C (NM_001363458.2, NM_001167935.2); c.114+3A>C (NM_001363459.2, NM_001167934.2); c.351+3A>C (NM_001029835.2).
Identifiers: ClinVar variation 4730949 (VCV004730949.1).